The following is an entry in ClinVar:

NM_000388.4(CASR):c.2488G>A (p.Gly830Ser)

Gene: CASR (calcium sensing receptor; plus strand). Cytogenetic location: 3q21.1.
Variant type: single nucleotide variant.
Coding change: c.2488G>A on transcript NM_000388.4 (MANE Select); coding-DNA position 2488, G replaced by A.
Protein change: p.Gly830Ser; replaces glycine 830 with serine.
Molecular consequence: missense variant.
Genome position (GRCh38, 1-based): chr3:122,284,442, G>A. VCF-style: chr3-122284442-G-A. GRCh37 (hg19) VCF-style: chr3-122003289-G-A.
Other names: c.2518G>A, p.Gly840Ser (NM_001178065.2); short protein forms G840S, G830S.
Identifiers: ClinVar variation 5000665 (VCV005000665.1).

ClinVar aggregate classification (germline): Likely pathogenic (1 of 4 stars; one submission).

Conditions:
CASR-related disorder. Also called: CASR-related condition.

Submission:

PreventionGenetics, part of Exact Sciences
Classification: Likely pathogenic for CASR-related condition. Last evaluated: 2025-06-28. Review status: criteria provided, single submitter. Criteria: ACMG Guidelines, 2015. Collection method: clinical testing. Allele origin: germline.
Comment: The CASR c.2518G>A variant is predicted to result in the amino acid substitution p.Gly840Ser. This variant has been reported in individuals with hypocalcemia (referred to as 2488G>A, p.Gly830Ser using transcript NM_000388; Letz et al. 2010. PubMed ID: 20668040; Raue et al. 2011. PubMed ID: 21645025), and in vitro functional studies demonstrate that this variant activates the CaSR (Letz et al. 2010. PubMed ID: 20668040). This variant has not been reported in a large population database (gnomAD), indicating this variant is rare. This variant is interpreted as likely pathogenic.